The following is an entry in ClinVar:

ClinVar aggregate classification (germline): Uncertain significance. Review status: criteria provided, multiple submitters, no conflicts (2 of 4 stars). 6 submissions from 6 submitters: Uncertain significance (6). Last evaluated 2025-08-13.

Conditions:
Hereditary breast ovarian cancer syndrome. Also called: Hereditary breast and ovarian cancer syndrome (HBOC); Hereditary breast and ovarian cancer syndrome; Breast and ovarian cancer; Hereditary breast and/or ovarian cancer syndrome; Hereditary breast and ovarian cancer; BRCA1- and BRCA2-Associated Hereditary Breast and Ovarian Cancer. Identifiers: Orphanet 145, MedGen C0677776, MeSH D061325, MONDO:0003582. Disease mechanism: loss of function.
BRCA2-related cancer predisposition. Identifiers: MedGen CN377758, MONDO:0700269.
Hereditary cancer-predisposing syndrome. Also called: Neoplastic Syndromes, Hereditary; Hereditary Cancer Syndrome; Hereditary neoplastic syndrome; Tumor predisposition. Identifiers: Orphanet 140162, MedGen C0027672, MeSH D009386, MONDO:0015356.

Submissions (6):

Color Diagnostics, LLC DBA Color Health
Classification: Uncertain significance for Hereditary cancer-predisposing syndrome. Last evaluated: 2025-08-13. Review status: criteria provided, single submitter. Criteria: ACMG Guidelines, 2015. Collection method: clinical testing. Allele origin: germline.
Comment: This missense variant replaces glycine with arginine at codon 2281 of the BRCA2 protein. Computational prediction is inconclusive regarding the impact of this variant on protein structure and function. Splicing predictions suggest that this variant would activate a cryptic donor site located four nucleotides in exon 11 upstream of the intron 11 splice donor site (PMID: 30661751, 35449021), but this prediction has not been examined in published RNA studies in the literature. To our knowledge, functional studies have not been reported for this variant. This variant has been reported in breast cancer, pancreatic cancer and biliary tract cancer case control studies where it was absent in 7051 breast cancer cases, 1005 pancreatic cancer cases and 1229 biliary tract cancer cancers and it was present in 1 unaffected control individual (PMID: 30287823, 32980694, 36243179). This variant has not been identified in the general population by the Genome Aggregation Database (gnomAD). The available evidence is insufficient to determine the role of this variant in disease conclusively. Therefore, this variant is classified as a Variant of Uncertain Significance.

Ambry Genetics
Classification: Uncertain significance for Hereditary cancer-predisposing syndrome. Last evaluated: 2024-09-09. Review status: criteria provided, single submitter. Criteria: Ambry Variant Classification Scheme 2023. Collection method: clinical testing. Allele origin: germline.
Comment: The c.6841G>A variant (also known as p.G2281R), located in coding exon 10 of the BRCA2 gene, results from a G to A substitution at nucleotide position 6841. The amino acid change results in glycine to arginine at codon 2281, an amino acid with dissimilar properties. However, this change occurs in the last base pair of coding exon 10, which makes it likely to have some effect on normal mRNA splicing. This alteration has been reported with a carrier frequency of 0 in 7051 unselected breast cancer patients and 0.00009 in 11241 female controls of Japanese ancestry (Momozawa Y et al. Nat Commun, 2018 10;9:4083). This nucleotide position is highly conserved in available vertebrate species. This amino acid position is highly conserved in available vertebrate species. In silico splice site analysis predicts that this alteration will result in the creation or strengthening of a novel splice donor site; however direct evidence is insufficient (Ambry internal data). In addition, as a missense, the in silico prediction for this alteration is inconclusive. Based on the available evidence, the clinical significance of this variant remains unclear.

Quest Diagnostics Nichols Institute San Juan Capistrano
Classification: Uncertain significance. Last evaluated: 2023-10-23. Review status: criteria provided, single submitter. Criteria: Quest Diagnostics criteria. Collection method: clinical testing. Allele origin: unknown.
Comment: The BRCA2 c.6841G>A (p.Gly2281Arg) variant has been reported in the published literature in an affected individual with ovarian cancer (PMID: 26306726 (2015)), as well as in controls (PMIDs: 30287823 (2018) and 36243179 (2022)). This variant has not been reported in large, multi-ethnic general populations (Genome Aggregation Database). Analysis of this variant using bioinformatics tools for the prediction of the effect of amino acid changes on protein structure and function yielded conflicting predictions that this variant is benign or damaging. Based on the available information, we are unable to determine the clinical significance of this variant.

Labcorp Genetics (formerly Invitae), Labcorp
Classification: Uncertain significance for Hereditary breast ovarian cancer syndrome. Last evaluated: 2023-08-27. Review status: criteria provided, single submitter. Criteria: Invitae Variant Classification Sherloc (09022015). Collection method: clinical testing. Allele origin: germline.
Comment: In summary, the available evidence is currently insufficient to determine the role of this variant in disease. Therefore, it has been classified as a Variant of Uncertain Significance. Variants that disrupt the consensus splice site are a relatively common cause of aberrant splicing (PMID: 17576681, 9536098). Algorithms developed to predict the effect of sequence changes on RNA splicing suggest that this variant may create or strengthen a splice site. An algorithm developed to predict the effect of missense changes on protein structure and function (PolyPhen-2) suggests that this variant is likely to be disruptive. ClinVar contains an entry for this variant (Variation ID: 462415). This variant has not been reported in the literature in individuals affected with BRCA2-related conditions. This variant is not present in population databases (gnomAD no frequency). This sequence change replaces glycine, which is neutral and non-polar, with arginine, which is basic and polar, at codon 2281 of the BRCA2 protein (p.Gly2281Arg). This variant also falls at the last nucleotide of exon 11, which is part of the consensus splice site for this exon.

Women's Health and Genetics/Laboratory Corporation of America, LabCorp
Classification: Uncertain significance. Last evaluated: 2022-12-13. Review status: criteria provided, single submitter. Criteria: LabCorp Variant Classification Summary - May 2015. Collection method: clinical testing. Allele origin: germline.
Comment: Variant summary: BRCA2 c.6841G>A (p.Gly2281Arg) results in a non-conservative amino acid change in the encoded protein sequence. The variant impacts the last nucleotide in exon 11. Five of five in-silico tools predict a damaging effect of the variant on protein function. Four of four in-silico tools predict a damaging effect of the variant on protein function. Several computational tools predict a significant impact on normal splicing: Three predict the variant weakens a 5' donor site. Three predict the variant creates a 5' donor site. However, these predictions have yet to be confirmed by functional studies. he variant allele was found at a frequency of 3.7e-06 in 272568 control chromosomes (gnomad and Momozawa_2018). The available data on variant occurrences in the general population are insufficient to allow any conclusion about variant significance. The variant has not been reported in the literature in patients with Hereditary Breast And Ovarian Cancer Syndrome. To our knowledge, no experimental evidence demonstrating an impact on protein function has been reported. Two clinical diagnostic laboratories have submitted clinical-significance assessments for this variant to ClinVar after 2014 without evidence for independent evaluation. All laboratories classified the variant as uncertain significance. Based on the evidence outlined above, the variant was classified as uncertain significance.

Department of Pathology and Laboratory Medicine, Sinai Health System
Classification: Uncertain significance for BRCA2-related cancer predisposition. Last evaluated: 2020-01-06. Review status: criteria provided, single submitter. Criteria: ACMG Guidelines, 2015. Collection method: clinical testing. Allele origin: germline.

Literature cited by the submitters: PubMed 30287823 (cited by 5 submitters); PubMed 30661751 (cited by Color Diagnostics, LLC DBA Color Health); PubMed 32980694 (cited by Color Diagnostics, LLC DBA Color Health); PubMed 35449021 (cited by Color Diagnostics, LLC DBA Color Health); PubMed 36243179 (cited by Color Diagnostics, LLC DBA Color Health and Quest Diagnostics Nichols Institute San Juan Capistrano); PubMed 26306726 (cited by Quest Diagnostics Nichols Institute San Juan Capistrano); PubMed 17576681 (cited by Labcorp Genetics (formerly Invitae), Labcorp); PubMed 9536098 (cited by Labcorp Genetics (formerly Invitae), Labcorp).

NM_000059.4(BRCA2):c.6841G>A (p.Gly2281Arg)

Gene: BRCA2 (BRCA2 DNA repair associated; plus strand). Cytogenetic location: 13q13.1.
Variant type: single nucleotide variant.
Coding change: c.6841G>A on transcript NM_000059.4 (MANE Select); coding-DNA position 6841, G replaced by A.
Protein change: p.Gly2281Arg; replaces glycine 2281 with arginine.
Molecular consequence: missense variant.
Genome position (GRCh38, 1-based): chr13:32,341,196, G>A. VCF-style: chr13-32341196-G-A. GRCh37 (hg19) VCF-style: chr13-32915333-G-A.
Other names: short protein forms G2281R.
Identifiers: ClinVar variation 462415 (VCV000462415.18), dbSNP rs1390926046, ClinGen allele CA387791515.